The following is an entry in ClinVar:

NM_000545.8(HNF1A):c.1623G>C (p.Gln541His)

Gene: HNF1A (HNF1 homeobox A; plus strand). Cytogenetic location: 12q24.31.
Variant type: single nucleotide variant.
Coding change: c.1623G>C on transcript NM_000545.8 (MANE Select); coding-DNA position 1623, G replaced by C.
Protein change: p.Gln541His; replaces glutamine 541 with histidine.
Molecular consequence: missense variant.
Genome position (GRCh38, 1-based): chr12:120,999,389, G>C. VCF-style: chr12-120999389-G-C. GRCh37 (hg19) VCF-style: chr12-121437192-G-C.
Other names: c.1623G>C, p.Gln541His (NM_001306179.2); c.1431G>C, p.Gln477His (NM_001406915.1); short protein forms Q541H, Q477H.
Identifiers: ClinVar variation 1776651 (VCV001776651.2), dbSNP rs1877301961, ClinGen allele CA386972255.

ClinVar aggregate classification (germline): Uncertain significance (1 of 4 stars; one submission).

Conditions:
Maturity-onset diabetes of the young (MODY). Also called: Maturity onset diabetes mellitus in young. Identifiers: Orphanet 552, MedGen C0342276, MONDO:0018911, HP:0004904.

Submission:

Ambry Genetics
Classification: Uncertain significance for Maturity-onset diabetes of the young. Last evaluated: 2018-11-16. Review status: criteria provided, single submitter. Criteria: Ambry Variant Classification Scheme 2023. Collection method: clinical testing. Allele origin: germline.
Comment: The p.Q541H variant (also known as c.1623G>C), located in coding exon 8 of the HNF1A gene, results from a G to C substitution at nucleotide position 1623. This change occurs in the last base pair of coding exon 8. The amino acid change results in glutamine to histidine at codon 541, an amino acid with highly similar properties. This amino acid position is highly conserved in available vertebrate species. In addition, this alteration is predicted to be deleterious by in silico analysis. Since supporting evidence is limited at this time, the clinical significance of this alteration remains unclear.